The following is an entry in ClinVar:

NM_004525.3(LRP2):c.188C>T (p.Ala63Val)

Gene: LRP2 (LDL receptor related protein 2; minus strand). Cytogenetic location: 2q31.1.
Variant type: single nucleotide variant.
Coding change: c.188C>T on transcript NM_004525.3 (MANE Select); coding-DNA position 188, C replaced by T.
Protein change: p.Ala63Val; replaces alanine 63 with valine.
Molecular consequence: missense variant.
Genome position (GRCh38, 1-based): chr2:169,318,884, G>A on the plus strand (C>T on the coding strand, the complement: LRP2 is on the minus strand). VCF-style: chr2-169318884-G-A. GRCh37 (hg19) VCF-style: chr2-170175394-G-A.
Other names: c.188C>T (NM_004525.2); short protein forms A63V.
Identifiers: ClinVar variation 1519941 (VCV001519941.9), dbSNP rs150829296, ClinGen allele CA1955957.

ClinVar aggregate classification (germline): Conflicting classifications of pathogenicity. Review status: criteria provided, conflicting classifications (1 of 4 stars). 5 submissions from 5 submitters: Uncertain significance (4); Likely benign (1). Last evaluated 2025-11-26.

Conditions:
Donnai-Barrow syndrome. Also called: DBS/FOAR SYNDROME; FACIOOCULOACOUSTICORENAL SYNDROME. Identifiers: Orphanet 2143, MedGen C1857277, MONDO:0009104, OMIM 222448.
LRP2-related disorder. Also called: LRP2-related condition.
Inborn genetic diseases. Identifiers: MedGen C0950123, MeSH D030342.

Allele frequency attached by ClinVar (database versions not stated): gnomAD exomes 0.00001 and 0.00003; ExAC 0.00006; TOPMed 0.00028; ESP Exome Variant Server 0.00046.
gnomAD v4.1: 56 of 1,613,918 alleles (0.0035%); highest among the groups gnomAD compares: African/African-American, 0.071%; no homozygotes.

Submissions (5):

Ambry Genetics
Classification: Uncertain significance for Inborn genetic diseases. Last evaluated: 2025-11-26. Review status: criteria provided, single submitter. Criteria: Ambry Variant Classification Scheme 2023. Collection method: clinical testing. Allele origin: germline.

PreventionGenetics, part of Exact Sciences
Classification: Uncertain significance for LRP2-related condition. Last evaluated: 2025-11-18. Review status: criteria provided, single submitter. Criteria: ACMG Guidelines, 2015. Collection method: clinical testing. Allele origin: germline.
Comment: The LRP2 c.188C>T variant is predicted to result in the amino acid substitution p.Ala63Val. To our knowledge, this variant has not been reported in the literature. This variant is present in 0.060% of alleles in individuals of African descent in gnomAD, which may be too common to be an unreported cause of disease. Although we suspect that this variant may be benign, at this time, the clinical significance of this variant is uncertain due to the absence of conclusive functional and genetic evidence.

Labcorp Genetics (formerly Invitae), Labcorp
Classification: Uncertain significance. Last evaluated: 2022-10-13. Review status: criteria provided, single submitter. Criteria: Invitae Variant Classification Sherloc (09022015). Collection method: clinical testing. Allele origin: germline.
Comment: This sequence change replaces alanine, which is neutral and non-polar, with valine, which is neutral and non-polar, at codon 63 of the LRP2 protein (p.Ala63Val). This variant is present in population databases (rs150829296, gnomAD 0.06%). This variant has not been reported in the literature in individuals affected with LRP2-related conditions. ClinVar contains an entry for this variant (Variation ID: 1519941). Algorithms developed to predict the effect of missense changes on protein structure and function (SIFT, PolyPhen-2, Align-GVGD) all suggest that this variant is likely to be tolerated. In summary, the available evidence is currently insufficient to determine the role of this variant in disease. Therefore, it has been classified as a Variant of Uncertain Significance.

Blueprint Genetics
Classification: Likely benign. Last evaluated: 2022-04-11. Review status: criteria provided, single submitter. Criteria: ACMG Guidelines, 2015. Collection method: clinical testing. Allele origin: germline.

Fulgent Genetics
Classification: Uncertain significance for Donnai-Barrow syndrome. Last evaluated: 2022-01-10. Review status: criteria provided, single submitter. Criteria: ACMG Guidelines, 2015. Collection method: clinical testing. Allele origin: unknown.